The following is an entry in ClinVar:

NM_006514.4(SCN10A):c.5617C>T (p.Leu1873Phe)

Gene: SCN10A (sodium voltage-gated channel alpha subunit 10; minus strand). Cytogenetic location: 3p22.2.
Variant type: single nucleotide variant.
Coding change: c.5617C>T on transcript NM_006514.4 (MANE Select); coding-DNA position 5617, C replaced by T.
Protein change: p.Leu1873Phe; replaces leucine 1873 with phenylalanine.
Molecular consequence: missense variant.
Genome position (GRCh38, 1-based): chr3:38,697,603, G>A on the plus strand (C>T on the coding strand, the complement: SCN10A is on the minus strand). VCF-style: chr3-38697603-G-A. GRCh37 (hg19) VCF-style: chr3-38739094-G-A.
Other names: c.5614C>T, p.Leu1872Phe (NM_001293306.2); c.5323C>T, p.Leu1775Phe (NM_001293307.2); short protein forms L1775F, L1873F, L1872F.
Identifiers: ClinVar variation 2896966 (VCV002896966.3), dbSNP rs776101575, ClinGen allele CA2319636.

ClinVar aggregate classification (germline): Uncertain significance (1 of 4 stars; one submission).

Conditions:
Brugada syndrome. Also called: Sudden unexplained nocturnal death syndrome; Sudden unexpected nocturnal death syndrome; Sudden Unexplained Death Syndrome; Sudden Unexplained Nocturnal Death Syndrome (SUNDS). Identifiers: Orphanet 130, MedGen C1142166, MONDO:0015263.

Submission:

Labcorp Genetics (formerly Invitae), Labcorp
Classification: Uncertain significance for Brugada syndrome. Last evaluated: 2023-01-08. Review status: criteria provided, single submitter. Criteria: Invitae Variant Classification Sherloc (09022015). Collection method: clinical testing. Allele origin: germline.
Comment: In summary, the available evidence is currently insufficient to determine the role of this variant in disease. Therefore, it has been classified as a Variant of Uncertain Significance. Advanced modeling of protein sequence and biophysical properties (such as structural, functional, and spatial information, amino acid conservation, physicochemical variation, residue mobility, and thermodynamic stability) performed at Invitae indicates that this missense variant is not expected to disrupt SCN10A protein function. This variant has not been reported in the literature in individuals affected with SCN10A-related conditions. This variant is present in population databases (rs776101575, gnomAD 0.0009%). This sequence change replaces leucine, which is neutral and non-polar, with phenylalanine, which is neutral and non-polar, at codon 1873 of the SCN10A protein (p.Leu1873Phe).